The following is an entry in ClinVar:

NR_003051.4(RMRP):n.48G>C

Gene: RMRP (RNA component of mitochondrial RNA processing endoribonuclease; minus strand). Cytogenetic location: 9p13.3.
Variant type: single nucleotide variant.
Molecular consequence: non-coding transcript variant (on NR_003051.4).
Genome position: GRCh38 VCF-style: chr9-35657972-C-G. GRCh37 (hg19) VCF-style: chr9-35657969-C-G.
Identifiers: ClinVar variation 3912027 (VCV003912027.2).

ClinVar aggregate classification (germline): Uncertain significance (1 of 4 stars; one submission).

Submission:

Women's Health and Genetics/Laboratory Corporation of America, LabCorp
Classification: Uncertain significance. Last evaluated: 2025-07-01. Review status: criteria provided, single submitter. Criteria: LabCorp Variant Classification Summary - May 2015. Collection method: clinical testing. Allele origin: germline.
Comment: Variant summary: RMRP n.47G>C (also known as NC_000009.11: chr9:g.35657969C>G) alters a nucleotide in the non-coding RNA. The variant was absent in 130440 control chromosomes. The available data on variant occurrences in the general population are insufficient to allow any conclusion about variant significance. To our knowledge, no occurrence of n.47G>C in individuals affected with Cartilage-Hair Hypoplasia and no experimental evidence demonstrating its impact on protein function have been reported. No submitters have cited clinical-significance assessments for this variant to ClinVar. Based on the evidence outlined above, the variant was classified as uncertain significance.